The following is an entry in ClinVar:

ClinVar aggregate classification (germline): Uncertain significance (1 of 4 stars; one submission).

gnomAD v4.1: 3 of 1,613,766 alleles (0.00019%); highest among the groups gnomAD compares: African/African-American, 0.004%; no homozygotes.

Submission:

Labcorp Genetics (formerly Invitae), Labcorp
Classification: Uncertain significance. Last evaluated: 2025-12-28. Review status: criteria provided, single submitter. Criteria: Invitae Variant Classification Sherloc (09022015). Collection method: clinical testing. Allele origin: germline.
Comment: This sequence change replaces proline, which is neutral and non-polar, with leucine, which is neutral and non-polar, at codon 456 of the PCLO protein (p.Pro456Leu). This variant is not present in population databases (gnomAD no frequency). This variant has not been reported in the literature in individuals affected with PCLO-related conditions. An algorithm developed to predict the effect of missense changes on protein structure and function (PolyPhen-2) suggests that this variant is likely to be disruptive. In summary, the available evidence is currently insufficient to determine the role of this variant in disease. Therefore, it has been classified as a Variant of Uncertain Significance.

NM_033026.6(PCLO):c.1367C>T (p.Pro456Leu)

Gene: PCLO (piccolo presynaptic cytomatrix protein; minus strand). Cytogenetic location: 7q21.11.
Variant type: single nucleotide variant.
Coding change: c.1367C>T on transcript NM_033026.6 (MANE Select); coding-DNA position 1367, C replaced by T.
Protein change: p.Pro456Leu; replaces proline 456 with leucine.
Molecular consequence: missense variant.
Genome position (GRCh38, 1-based): chr7:83,155,274, G>A on the plus strand (C>T on the coding strand, the complement: PCLO is on the minus strand). VCF-style: chr7-83155274-G-A. GRCh37 (hg19) VCF-style: chr7-82784590-G-A.
Other names: c.1367C>T, p.Pro456Leu (NM_014510.3); short protein forms P456L.
Identifiers: ClinVar variation 4772737 (VCV004772737.1).